The following is an entry in ClinVar:

ClinVar aggregate classification (germline): Likely benign (0 of 4 stars; one submission).

Conditions:
PACS1-related disorder. Also called: PACS1-related condition.

Submission:

PreventionGenetics, part of Exact Sciences
Classification: Likely benign for PACS1-related condition. Last evaluated: 2022-03-16. Review status: no assertion criteria provided. Collection method: clinical testing. Allele origin: germline.
Comment: This variant is classified as likely benign based on ACMG/AMP sequence variant interpretation guidelines (Richards et al. 2015 PMID: 25741868, with internal and published modifications).

NM_018026.4(PACS1):c.-2C>T

Genes: PACS1 (phosphofurin acidic cluster sorting protein 1; plus strand), LOC130006098 (ATAC-STARR-seq lymphoblastoid silent region 3574; plus strand). Cytogenetic location: 11q13.1.
Variant type: single nucleotide variant.
Coding change: c.-2C>T on transcript NM_018026.4 (MANE Select); 2 bases upstream of the start codon, C replaced by T.
Molecular consequence: 5 prime UTR variant.
Genome position (GRCh38, 1-based): chr11:66,070,485, C>T. VCF-style: chr11-66070485-C-T. GRCh37 (hg19) VCF-style: chr11-65837956-C-T.
Identifiers: ClinVar variation 3030463 (VCV003030463.2), dbSNP rs2495229638, ClinGen allele CA2614441656.